The following is an entry in ClinVar:

NM_024649.5(BBS1):c.416G>A (p.Trp139Ter)

Gene: BBS1 (Bardet-Biedl syndrome 1; plus strand). Cytogenetic location: 11q13.2.
Variant type: single nucleotide variant.
Coding change: c.416G>A on transcript NM_024649.5 (MANE Select); coding-DNA position 416, G replaced by A.
Protein change: p.Trp139Ter; replaces tryptophan 139 with a stop codon.
Molecular consequence: nonsense.
Genome position (GRCh38, 1-based): chr11:66,514,662, G>A. VCF-style: chr11-66514662-G-A. GRCh37 (hg19) VCF-style: chr11-66282133-G-A.
Other names: short protein forms W139*.
Identifiers: ClinVar variation 241521 (VCV000241521.16), dbSNP rs878855095, ClinGen allele CA10582948.
Genomic context (GRCh38, chr11:66,514,662, plus strand): 5'-GACCCTACTTCAAGTTCAGCCTGCCCCAATTGCCTCCAAATCCTCTGGAACAAGACCTTT[G>A]GAACCAGGCCAAAGAGGTAAATAAATAACATGGGAGTTGGGAACCAGAAGGCAAAGATGG-3'

ClinVar aggregate classification (germline): Pathogenic/Likely pathogenic. Review status: criteria provided, multiple submitters, no conflicts (2 of 4 stars). 3 submissions from 3 submitters: Pathogenic (1); Likely pathogenic (1). 1 of the submissions does not count toward it. Last evaluated 2023-10-05.

Conditions:
BBS1-related disorder. Also called: BBS1-related condition.
Bardet-Biedl syndrome (BBS). Identifiers: Orphanet 110, MedGen C0752166, MONDO:0015229.
Bardet-Biedl syndrome 1 (BBS1). Identifiers: MedGen C2936862, MONDO:0008854, OMIM 209900. Disease mechanism: loss of function.

Allele frequency attached by ClinVar (database versions not stated): gnomAD exomes below 0.00001; TOPMed below 0.00001; gnomAD 0.00001.
gnomAD v4.1: 3 of 1,612,152 alleles (0.00019%); highest among the groups gnomAD compares: African/African-American, 0.0027%; no homozygotes.

Submissions (3):

Labcorp Genetics (formerly Invitae), Labcorp
Classification: Pathogenic for Bardet-Biedl syndrome. Last evaluated: 2023-10-05. Review status: criteria provided, single submitter. Criteria: Invitae Variant Classification Sherloc (09022015). Collection method: clinical testing. Allele origin: germline.
Comment: This sequence change creates a premature translational stop signal (p.Trp139*) in the BBS1 gene. It is expected to result in an absent or disrupted protein product. Loss-of-function variants in BBS1 are known to be pathogenic (PMID: 12118255, 21520335, 27032803). This variant is present in population databases (no rsID available, gnomAD 0.008%). This variant has not been reported in the literature in individuals affected with BBS1-related conditions. ClinVar contains an entry for this variant (Variation ID: 241521). For these reasons, this variant has been classified as Pathogenic.

Greenwood Genetic Center Diagnostic Laboratories, Greenwood Genetic Center
Classification: Likely pathogenic for Bardet-Biedl syndrome 1. Last evaluated: 2022-05-31. Review status: criteria provided, single submitter. Criteria: ACMG Guidelines, 2015. Collection method: clinical testing. Allele origin: germline. Affected: yes.
Comment: PVS1, PM2

PreventionGenetics, part of Exact Sciences
Classification: Pathogenic for BBS1-related condition. Last evaluated: 2024-06-19. Review status: no assertion criteria provided. Collection method: clinical testing. Allele origin: germline. Not counted in ClinVar's aggregate classification.
Comment: The BBS1 c.416G>A variant is predicted to result in premature protein termination (p.Trp139*). To our knowledge, this variant has not been reported in the literature. This variant is reported in 0.0080% of alleles in individuals of African descent in gnomAD. Nonsense variants in BBS1 are expected to be pathogenic (see, Muller et al. 2010. PubMed ID: 20177705). This variant is interpreted as pathogenic.

Literature cited by the submitters: PubMed 12118255 (cited by Labcorp Genetics (formerly Invitae), Labcorp); PubMed 21520335 (cited by Labcorp Genetics (formerly Invitae), Labcorp); PubMed 27032803 (cited by Labcorp Genetics (formerly Invitae), Labcorp).